The following is an entry in ClinVar:

ClinVar aggregate classification (germline): Uncertain significance (1 of 4 stars; one submission).

Allele frequency attached by ClinVar (database versions not stated): gnomAD exomes below 0.00001; TOPMed 0.00002; ESP Exome Variant Server 0.00008.
gnomAD v4.1: 3 of 1,613,938 alleles (0.00019%); highest among the groups gnomAD compares: African/African-American, 0.0027%; no homozygotes.

Submission:

Labcorp Genetics (formerly Invitae), Labcorp
Classification: Uncertain significance. Last evaluated: 2020-07-02. Review status: criteria provided, single submitter. Criteria: Invitae Variant Classification Sherloc (09022015). Collection method: clinical testing. Allele origin: germline.
Comment: In summary, the available evidence is currently insufficient to determine the role of this variant in disease. Therefore, it has been classified as a Variant of Uncertain Significance. Algorithms developed to predict the effect of missense changes on protein structure and function are either unavailable or do not agree on the potential impact of this missense change (SIFT: "Deleterious"; PolyPhen-2: "Probably Damaging"; Align-GVGD: "Class C0"). This variant has not been reported in the literature in individuals with WHRN-related conditions. This variant is not present in population databases (ExAC no frequency). This sequence change replaces glycine with serine at codon 874 of the WHRN protein (p.Gly874Ser). The glycine residue is highly conserved and there is a small physicochemical difference between glycine and serine.

NM_015404.4(WHRN):c.2620G>A (p.Gly874Ser)

Gene: WHRN (whirlin; minus strand). Cytogenetic location: 9q32.
Variant type: single nucleotide variant.
Coding change: c.2620G>A on transcript NM_015404.4 (MANE Select); coding-DNA position 2620, G replaced by A.
Protein change: p.Gly874Ser; replaces glycine 874 with serine.
Molecular consequence: missense variant.
Genome position (GRCh38, 1-based): chr9:114,402,858, C>T on the plus strand (G>A on the coding strand, the complement: WHRN is on the minus strand). VCF-style: chr9-114402858-C-T. GRCh37 (hg19) VCF-style: chr9-117165138-C-T.
Other names: c.1471G>A, p.Gly491Ser (NM_001083885.3); c.2617G>A, p.Gly873Ser (NM_001173425.2); c.1567G>A, p.Gly523Ser (NM_001346890.1); short protein forms G491S, G523S, G873S, G874S.
Identifiers: ClinVar variation 1001176 (VCV001001176.8), dbSNP rs142732176, ClinGen allele CA198648782.